The following is an entry in ClinVar:

ClinVar aggregate classification (germline): Pathogenic (1 of 4 stars; one submission).

Conditions:
Chylomicron retention disease (CMRD). Also called: LIPID TRANSPORT DEFECT OF INTESTINE; HYPOBETALIPOPROTEINEMIA WITH ACCUMULATION OF APOLIPOPROTEIN B-LIKE PROTEIN IN INTESTINAL CELLS. Identifiers: Orphanet 71, MedGen C0795956, MONDO:0009528, OMIM 246700.

Submission:

Neuberg Centre For Genomic Medicine, NCGM
Classification: Pathogenic for Chylomicron retention disease. Review status: criteria provided, single submitter. Criteria: ACMG Guidelines, 2015. Collection method: clinical testing. Allele origin: germline. Inheritance: Autosomal recessive inheritance. Affected: yes.
Comment: The stop gained p.E116* in DCDC2 (NM_016356.4) has not been reported previously as a pathogenic variant nor as a benign variant, to our knowledge. The p.E116* variant is novel (not in any individuals) in gnomAD Exomes and is novel (not in any individuals) in 1000 Genomes. This variant is predicted to cause loss of normal protein function through protein truncation. For these reasons, this variant has been classified as Likely Pathogenic.

Literature cited by the submitters: PubMed 27469900.

NM_016356.5(DCDC2):c.346G>T (p.Glu116Ter)

Gene: DCDC2 (doublecortin domain containing 2; minus strand). Cytogenetic location: 6p22.3.
Variant type: single nucleotide variant.
Coding change: c.346G>T on transcript NM_016356.5 (MANE Select); coding-DNA position 346, G replaced by T.
Protein change: p.Glu116Ter; replaces glutamic acid 116 with a stop codon.
Molecular consequence: nonsense.
Genome position (GRCh38, 1-based): chr6:24,353,571, C>A on the plus strand (G>T on the coding strand, the complement: DCDC2 is on the minus strand). VCF-style: chr6-24353571-C-A. GRCh37 (hg19) VCF-style: chr6-24353799-C-A.
Other names: c.346G>T, p.Glu116Ter (NM_001195610.2); short protein forms E116*.
Identifiers: ClinVar variation 1162261 (VCV001162261.3), dbSNP rs2127255428, ClinGen allele CA363278382.
Genomic context (GRCh38, chr6:24,353,571, plus strand): 5'-CATAAGAAACAAATGGCACCGTTATTTATTTGAATTTTCAAAATAATATTTGCATTACCT[C>A]TGTATTAACAACTTCCATTGGTCTTTTCTTGATTTCTCCTATGTCCAAGTAACTGAGGAA-3'